The following is an entry in ClinVar:

ClinVar aggregate classification (germline): Benign/Likely benign. Review status: criteria provided, multiple submitters, no conflicts (2 of 4 stars). 3 submissions from 3 submitters: Benign (1); Likely benign (2). Last evaluated 2024-08-02.

Conditions:
Juvenile polyposis syndrome (JPS). Identifiers: Orphanet 2929, MedGen C0345893, MONDO:0017380, OMIM 174900.
Hereditary cancer-predisposing syndrome. Also called: Hereditary neoplastic syndrome; Hereditary Cancer Syndrome; Neoplastic Syndromes, Hereditary; Tumor predisposition. Identifiers: Orphanet 140162, MedGen C0027672, MeSH D009386, MONDO:0015356.

Allele frequency attached by ClinVar (database versions not stated): gnomAD exomes below 0.00001.
gnomAD v4.1: 1 of 1,613,988 alleles (0.000062%); highest among the groups gnomAD compares: Non-Finnish European, 0.000085%; no homozygotes.

Submissions (3):

Myriad Genetics, Inc.
Classification: Benign for Juvenile polyposis syndrome. Last evaluated: 2024-08-02. Review status: criteria provided, single submitter. Criteria: Myriad Autosomal Dominant, Autosomal Recessive and X-Linked Classification Criteria (2023). Collection method: clinical testing. Allele origin: unknown.
Comment: This variant is considered benign. This variant is a silent/synonymous amino acid change and it is not expected to impact splicing.

Ambry Genetics
Classification: Likely benign for Hereditary cancer-predisposing syndrome. Last evaluated: 2024-06-26. Review status: criteria provided, single submitter. Criteria: Ambry Variant Classification Scheme 2023. Collection method: clinical testing. Allele origin: germline.

Labcorp Genetics (formerly Invitae), Labcorp
Classification: Likely benign for Juvenile polyposis syndrome. Last evaluated: 2021-12-06. Review status: criteria provided, single submitter. Criteria: Invitae Variant Classification Sherloc (09022015). Collection method: clinical testing. Allele origin: germline.

NM_004329.3(BMPR1A):c.657G>T (p.Gly219=)

Gene: BMPR1A (bone morphogenetic protein receptor type 1A; plus strand). Cytogenetic location: 10q23.2.
Variant type: single nucleotide variant.
Coding change: c.657G>T on transcript NM_004329.3 (MANE Select); coding-DNA position 657, G replaced by T.
Protein change: p.Gly219=; no amino-acid change (glycine 219 retained).
Molecular consequence: synonymous variant.
Genome position (GRCh38, 1-based): chr10:86,912,366, G>T. VCF-style: chr10-86912366-G-T. GRCh37 (hg19) VCF-style: chr10-88672123-G-T.
Other names: c.657G>T (NM_004329.2).
Identifiers: ClinVar variation 1606240 (VCV001606240.10), dbSNP rs2133546041, ClinGen allele CA470307737.
Genomic context (GRCh38, chr10:86,912,366, plus strand): 5'-TATTCCAGTTGGAGAATCACTAAAAGACCTTATTGACCAGTCACAAAGTTCTGGTAGTGG[G>T]TCTGGACTACCTTTATTGGTAAGTTAAACGTTCCTATAGACATGAATGGTGTGTTGATTT-3'
Protein context (NP_004320.2, residues 209-229): LIDQSQSSGS[Gly219=]SGLPLLVQRT